The following is an entry in ClinVar:

ClinVar aggregate classification (germline): Uncertain significance (1 of 4 stars; one submission).

Conditions:
Arrhythmogenic right ventricular dysplasia 8 (ARVD8). Also called: Arrhythmogenic Right Ventricular Dysplasia/Cardiomyopathy 8; ARRHYTHMOGENIC RIGHT VENTRICULAR DYSPLASIA, FAMILIAL, 8; ARRHYTHMOGENIC RIGHT VENTRICULAR CARDIOMYOPATHY 8. Identifiers: MedGen C1843896, MONDO:0011831, OMIM 607450.
Arrhythmogenic cardiomyopathy with wooly hair and keratoderma. Also called: Dilated cardiomyopathy with woolly hair and keratoderma; Arrhythmogenic cardiomyopathy with woolly hair and keratoderma; Carvajal syndrome; PALMOPLANTAR KERATODERMA WITH LEFT VENTRICULAR CARDIOMYOPATHY AND WOOLLY HAIR. Identifiers: Orphanet 65282, MedGen C1854063, MONDO:0011581, OMIM 605676.

Allele frequency attached by ClinVar (database versions not stated): gnomAD 0.00001.
gnomAD v4.1: 1 of 1,613,430 alleles (0.000062%); highest among the groups gnomAD compares: Admixed American, 0.0017%; no homozygotes.

Submission:

Labcorp Genetics (formerly Invitae), Labcorp
Classification: Uncertain significance for Arrhythmogenic cardiomyopathy with wooly hair and keratoderma; Arrhythmogenic right ventricular dysplasia 8. Last evaluated: 2025-10-01. Review status: criteria provided, single submitter. Criteria: Invitae Variant Classification Sherloc (09022015). Collection method: clinical testing. Allele origin: germline.
Comment: This sequence change replaces serine, which is neutral and polar, with proline, which is neutral and non-polar, at codon 1127 of the DSP protein (p.Ser1127Pro). This variant is not present in population databases (gnomAD no frequency). This variant has not been reported in the literature in individuals affected with DSP-related conditions. ClinVar contains an entry for this variant (Variation ID: 646527). An algorithm developed to predict the effect of missense changes on protein structure and function (PolyPhen-2) suggests that this variant is likely to be tolerated. In summary, the available evidence is currently insufficient to determine the role of this variant in disease. Therefore, it has been classified as a Variant of Uncertain Significance.

NM_004415.4(DSP):c.3379T>C (p.Ser1127Pro)

Gene: DSP (desmoplakin; plus strand). Cytogenetic location: 6p24.3.
Variant type: single nucleotide variant.
Coding change: c.3379T>C on transcript NM_004415.4 (MANE Select); coding-DNA position 3379, T replaced by C.
Protein change: p.Ser1127Pro; replaces serine 1127 with proline.
Molecular consequence: missense variant.
Genome position (GRCh38, 1-based): chr6:7,579,569, T>C. VCF-style: chr6-7579569-T-C. GRCh37 (hg19) VCF-style: chr6-7579802-T-C.
Other names: c.3379T>C (LRG_423t1); c.3379T>C, p.Ser1127Pro (NM_001008844.3, NM_001319034.2); short protein forms S1127P.
Identifiers: ClinVar variation 646527 (VCV000646527.9), dbSNP rs1581815458, ClinGen allele CA362683872.